The following is an entry in ClinVar:

NC_000009.11:g.(?_6550793)_(6620329_?)del

Gene: GLDC (glycine decarboxylase; minus strand). Cytogenetic location: 9p24.1.
Variant type: Deletion.
Identifiers: ClinVar variation 1074247 (VCV001074247.1).

ClinVar aggregate classification (germline): Pathogenic (1 of 4 stars; one submission).

Conditions:
Glycine encephalopathy. Also called: Nonketotic hyperglycinemia; Non-ketotic hyperglycinemia. Identifiers: Orphanet 407, MedGen C0751748, MONDO:0011612, HP:0008288.

Submission:

Labcorp Genetics (formerly Invitae), Labcorp
Classification: Pathogenic for Glycine encephalopathy. Last evaluated: 2020-08-27. Review status: criteria provided, single submitter. Criteria: Invitae Variant Classification Sherloc (09022015). Collection method: clinical testing. Allele origin: germline.
Comment: This variant is an in-frame deletion of the genomic region encompassing exons 3-21 of the GLDC gene. It preserves the integrity of the reading frame. Similar deletions have been reported in the literature in individual(s) affected with glycine encephalopathy (PMID: 26179960). Sub-genic deletion of exons 3-9 has been determined to be pathogenic (PMID: 17361008, 27362913). Therefore, deletions that fully encompass that region are also expected to be pathogenic. For these reasons, this variant has been classified as Pathogenic.

Literature cited by the submitters: PubMed 26179960; PubMed 17361008; PubMed 27362913.